The following is an entry in ClinVar:

ClinVar aggregate classification (germline): Uncertain significance (1 of 4 stars; one submission).

Submission:

Labcorp Genetics (formerly Invitae), Labcorp
Classification: Uncertain significance. Last evaluated: 2024-06-25. Review status: criteria provided, single submitter. Criteria: Invitae Variant Classification Sherloc (09022015). Collection method: clinical testing. Allele origin: germline.
Comment: This sequence change replaces valine, which is neutral and non-polar, with leucine, which is neutral and non-polar, at codon 214 of the GHSR protein (p.Val214Leu). This variant is not present in population databases (gnomAD no frequency). This variant has not been reported in the literature in individuals affected with GHSR-related conditions. Advanced modeling of protein sequence and biophysical properties (such as structural, functional, and spatial information, amino acid conservation, physicochemical variation, residue mobility, and thermodynamic stability) performed at Invitae indicates that this missense variant is not expected to disrupt GHSR protein function with a negative predictive value of 80%. In summary, the available evidence is currently insufficient to determine the role of this variant in disease. Therefore, it has been classified as a Variant of Uncertain Significance.

NM_198407.2(GHSR):c.640G>C (p.Val214Leu)

Gene: GHSR (growth hormone secretagogue receptor; minus strand). Cytogenetic location: 3q26.31.
Variant type: single nucleotide variant.
Coding change: c.640G>C on transcript NM_198407.2 (MANE Select); coding-DNA position 640, G replaced by C.
Protein change: p.Val214Leu; replaces valine 214 with leucine.
Molecular consequence: missense variant.
Genome position (GRCh38, 1-based): chr3:172,447,774, C>G on the plus strand (G>C on the coding strand, the complement: GHSR is on the minus strand). VCF-style: chr3-172447774-C-G. GRCh37 (hg19) VCF-style: chr3-172165564-C-G.
Other names: c.640G>C, p.Val214Leu (NM_004122.2); short protein forms V214L.
Identifiers: ClinVar variation 3679144 (VCV003679144.2).
Genomic context (GRCh38, chr3:172,447,774, plus strand): 5'-GACTGTAGAGGACCGTGAGACAGAAGACAGGAAGGAAGAAGAAGATGCTGGACACCCACA[C>G]CATGACCGTGAGCAGTCCAGAGCGCACCGCAAACTCGGTGGGGCGGCACTCGTTGGTGTC-3'
Protein context (NP_940799.1, residues 204-224): AVRSGLLTVM[Val214Leu]WVSSIFFFLP